The following is an entry in ClinVar:

ClinVar aggregate classification (germline): Uncertain significance (1 of 4 stars; one submission).

Conditions:
Epidermolysis bullosa simplex 5B, with muscular dystrophy (EBS5B). Also called: Epidermolysis bullosa simplex with muscular dystrophy; EPIDERMOLYSIS BULLOSA SIMPLEX AND LIMB-GIRDLE MUSCULAR DYSTROPHY. Identifiers: Orphanet 257, MedGen C2931072, MONDO:0009181, OMIM 226670.
Epidermolysis bullosa simplex, Ogna type (EBS5A). Also called: Pidermolysis bullosa simplex 5A, Ogna type; EPIDERMOLYSIS BULLOSA SIMPLEX 5A, OGNA TYPE. Identifiers: Orphanet 79401, MedGen C0432317, MONDO:0007555, OMIM 131950.
Epidermolysis bullosa simplex 5C, with pyloric atresia (EBS5C). Also called: Epidermolysis bullosa simplex with pyloric atresia; PLEC-Related Epidermolysis Bullosa with Pyloric Atresia; PLEC1-Related Epidermolysis Bullosa with Pyloric Atresia. Identifiers: Orphanet 158684, MedGen C2677349, MONDO:0012807, OMIM 612138.
Autosomal recessive limb-girdle muscular dystrophy type 2Q (LGMDR17). Also called: MUSCULAR DYSTROPHY, LIMB-GIRDLE, AUTOSOMAL RECESSIVE 17. Identifiers: Orphanet 254361, MedGen C3150989, MONDO:0013390, OMIM 613723.
Epidermolysis bullosa simplex with nail dystrophy (EBS5D). Identifiers: MedGen C4225309, MONDO:0014661, OMIM 616487.

Allele frequency attached by ClinVar (database versions not stated): gnomAD exomes below 0.00001; ExAC 0.00001; ESP Exome Variant Server 0.00008.

Submission:

Labcorp Genetics (formerly Invitae), Labcorp
Classification: Uncertain significance for Autosomal recessive limb-girdle muscular dystrophy type 2Q; Epidermolysis bullosa simplex, Ogna type; Epidermolysis bullosa simplex with nail dystrophy; Epidermolysis bullosa simplex 5C, with pyloric atresia; Epidermolysis bullosa simplex 5B, with muscular dystrophy. Last evaluated: 2022-07-30. Review status: criteria provided, single submitter. Criteria: Invitae Variant Classification Sherloc (09022015). Collection method: clinical testing. Allele origin: germline.
Comment: In summary, the available evidence is currently insufficient to determine the role of this variant in disease. Therefore, it has been classified as a Variant of Uncertain Significance. This sequence change replaces aspartic acid, which is acidic and polar, with asparagine, which is neutral and polar, at codon 554 of the PLEC protein (p.Asp554Asn). This variant is present in population databases (rs372812871, gnomAD 0.0009%). This variant has not been reported in the literature in individuals affected with PLEC-related conditions. Algorithms developed to predict the effect of missense changes on protein structure and function are either unavailable or do not agree on the potential impact of this missense change (SIFT: "Deleterious"; PolyPhen-2: "Not Available"; Align-GVGD: "Class C15").

NM_201384.3(PLEC):c.1579G>A (p.Asp527Asn)

Gene: PLEC (plectin; minus strand). Cytogenetic location: 8q24.3.
Variant type: single nucleotide variant.
Coding change: c.1579G>A on transcript NM_201384.3 (MANE Select); coding-DNA position 1579, G replaced by A.
Protein change: p.Asp527Asn; replaces aspartic acid 527 with asparagine.
Molecular consequence: missense variant.
Genome position (GRCh38, 1-based): chr8:143,932,951, C>T on the plus strand (G>A on the coding strand, the complement: PLEC is on the minus strand). VCF-style: chr8-143932951-C-T. GRCh37 (hg19) VCF-style: chr8-145007119-C-T.
Other names: c.1660G>A, p.Asp554Asn (NM_000445.5, NM_001410941.1); c.1537G>A, p.Asp513Asn (NM_201378.4); c.1513G>A, p.Asp505Asn (NM_201379.3); c.1990G>A, p.Asp664Asn (NM_201380.4); c.1483G>A, p.Asp495Asn (NM_201381.3); c.1579G>A, p.Asp527Asn (NM_201382.4); c.1591G>A, p.Asp531Asn (NM_201383.3); short protein forms D527N, D531N, D554N, D495N, D664N, D505N, D513N.
Identifiers: ClinVar variation 1969085 (VCV001969085.5), dbSNP rs372812871, ClinGen allele CA4927921.
Genomic context (GRCh38, chr8:143,932,951, plus strand): 5'-CCACACCCCACTCAGCGCCATCCACACGGTGCTGGTTCTCCTCCACCCAGGCCAGCAGGT[C>T]CTGCAGGTAGCGCAGAGTGGAGTCCTCCAGCTCGGGGCGCCTCTGCACACTCTGCAGAGT-3'
Protein context (NP_958786.1, residues 517-537): LEDSTLRYLQ[Asp527Asn]LLAWVEENQH